The following is an entry in ClinVar:

NM_002691.4(POLD1):c.2701G>A (p.Val901Met)

Gene: POLD1 (DNA polymerase delta 1, catalytic subunit; plus strand). Cytogenetic location: 19q13.33.
Variant type: single nucleotide variant.
Coding change: c.2701G>A on transcript NM_002691.4 (MANE Select); coding-DNA position 2701, G replaced by A.
Protein change: p.Val901Met; replaces valine 901 with methionine.
Molecular consequence: missense variant. On other transcripts: non-coding transcript variant (1).
Genome position (GRCh38, 1-based): chr19:50,415,574, G>A. VCF-style: chr19-50415574-G-A. GRCh37 (hg19) VCF-style: chr19-50918831-G-A.
Other names: c.2701G>A, p.Val901Met (NM_001256849.1); c.2779G>A, p.Val927Met (NM_001308632.1); short protein forms V901M, V927M.
Identifiers: ClinVar variation 1794939 (VCV001794939.9), dbSNP rs2039250690, ClinGen allele CA406985693.

ClinVar aggregate classification (germline): Uncertain significance. Review status: criteria provided, multiple submitters, no conflicts (2 of 4 stars). 2 submissions from 2 submitters: Uncertain significance (2). Last evaluated 2025-07-12.

Conditions:
POLD1-related polyposis and colorectal cancer syndrome (CRCS10). Also called: Colorectal cancer 10; COLORECTAL CANCER, SUSCEPTIBILITY TO, ON CHROMOSOME 19q; Colorectal cancer, susceptibility to, 10. Identifiers: Orphanet 220460, MedGen C2675481, MONDO:0012953, OMIM 612591.
Hereditary cancer-predisposing syndrome. Also called: Tumor predisposition; Hereditary Cancer Syndrome; Hereditary neoplastic syndrome; Neoplastic Syndromes, Hereditary. Identifiers: Orphanet 140162, MedGen C0027672, MeSH D009386, MONDO:0015356.

Allele frequency attached by ClinVar (database versions not stated): gnomAD exomes below 0.00001; gnomAD 0.00001.
gnomAD v4.1: 2 of 1,611,720 alleles (0.00012%); highest among the groups gnomAD compares: African/African-American, 0.0013%; no homozygotes.

Submissions (2):

Ambry Genetics
Classification: Uncertain significance for Hereditary cancer-predisposing syndrome. Last evaluated: 2025-07-12. Review status: criteria provided, single submitter. Criteria: Ambry Variant Classification Scheme 2023. Collection method: clinical testing. Allele origin: germline.

Labcorp Genetics (formerly Invitae), Labcorp
Classification: Uncertain significance for POLD1-related polyposis and colorectal cancer syndrome. Last evaluated: 2024-05-26. Review status: criteria provided, single submitter. Criteria: Invitae Variant Classification Sherloc (09022015). Collection method: clinical testing. Allele origin: germline.
Comment: This sequence change replaces valine, which is neutral and non-polar, with methionine, which is neutral and non-polar, at codon 901 of the POLD1 protein (p.Val901Met). This variant is not present in population databases (gnomAD no frequency). This variant has not been reported in the literature in individuals affected with POLD1-related conditions. ClinVar contains an entry for this variant (Variation ID: 1794939). Advanced modeling of protein sequence and biophysical properties (such as structural, functional, and spatial information, amino acid conservation, physicochemical variation, residue mobility, and thermodynamic stability) performed at Invitae indicates that this missense variant is expected to disrupt POLD1 protein function with a positive predictive value of 80%. In summary, the available evidence is currently insufficient to determine the role of this variant in disease. Therefore, it has been classified as a Variant of Uncertain Significance.